The following is an entry in ClinVar:

ClinVar aggregate classification (germline): Uncertain significance. Review status: criteria provided, multiple submitters, no conflicts (2 of 4 stars). 2 submissions from 2 submitters: Uncertain significance (2). Last evaluated 2026-07-02.

Conditions:
RAI1-related disorder. Also called: RAI1-related condition.

Allele frequency attached by ClinVar (database versions not stated): TOPMed 0.00001.
gnomAD v4.1: 1 of 1,553,666 alleles (0.000064%); highest among the groups gnomAD compares: African/African-American, 0.0014%; no homozygotes.

Submissions (2):

PreventionGenetics, part of Exact Sciences
Classification: Uncertain significance for RAI1-related condition. Last evaluated: 2026-07-02. Review status: criteria provided, single submitter. Criteria: ACMG Guidelines, 2015. Collection method: clinical testing. Allele origin: germline.
Comment: The RAI1 c.5712G>C variant is predicted to result in the amino acid substitution p.Arg1904Ser. To our knowledge, this variant has not been reported in the literature. This variant is reported in 0.013% of alleles in individuals of African descent in gnomAD. At this time, the clinical significance of this variant is uncertain due to the absence of conclusive functional and genetic evidence.

Labcorp Genetics (formerly Invitae), Labcorp
Classification: Uncertain significance. Last evaluated: 2024-01-02. Review status: criteria provided, single submitter. Criteria: Invitae Variant Classification Sherloc (09022015). Collection method: clinical testing. Allele origin: germline.
Comment: This sequence change replaces arginine, which is basic and polar, with serine, which is neutral and polar, at codon 1904 of the RAI1 protein (p.Arg1904Ser). The frequency data for this variant in the population databases is considered unreliable, as metrics indicate poor data quality at this position in the gnomAD database. This variant has not been reported in the literature in individuals affected with RAI1-related conditions. An algorithm developed to predict the effect of missense changes on protein structure and function (PolyPhen-2) suggests that this variant¬¨‚Ä†is likely to be tolerated. In summary, the available evidence is currently insufficient to determine the role of this variant in disease. Therefore, it has been classified as a Variant of Uncertain Significance.

NM_030665.4(RAI1):c.5712G>C (p.Arg1904Ser)

Gene: RAI1 (retinoic acid induced 1; plus strand). Cytogenetic location: 17p11.2.
Variant type: single nucleotide variant.
Coding change: c.5712G>C on transcript NM_030665.4 (MANE Select); coding-DNA position 5712, G replaced by C.
Protein change: p.Arg1904Ser; replaces arginine 1904 with serine.
Molecular consequence: missense variant.
Genome position (GRCh38, 1-based): chr17:17,809,972, G>C. VCF-style: chr17-17809972-G-C. GRCh37 (hg19) VCF-style: chr17-17713286-G-C.
Other names: c.5712G>C (NM_030665.3); short protein forms R1904S.
Identifiers: ClinVar variation 2886634 (VCV002886634.3), dbSNP rs998467869, ClinGen allele CA288379850.